The following is an entry in ClinVar:

ClinVar aggregate classification (germline): Uncertain significance (1 of 4 stars; one submission).

Conditions:
Neurofibromatosis, type 1 (NF1). Also called: NEUROFIBROMATOSIS, TYPE I, SOMATIC; Peripheral type neurofibromatosis; Neurofibromatosis, type I; VON RECKLINGHAUSEN DISEASE. Identifiers: Orphanet 636, MedGen C0027831, MONDO:0018975, OMIM 162200. Disease mechanism: loss of function.

Submission:

Labcorp Genetics (formerly Invitae), Labcorp
Classification: Uncertain significance for Neurofibromatosis, type 1. Last evaluated: 2025-02-26. Review status: criteria provided, single submitter. Criteria: Invitae Variant Classification Sherloc (09022015). Collection method: clinical testing. Allele origin: germline.
Comment: This sequence change replaces isoleucine, which is neutral and non-polar, with methionine, which is neutral and non-polar, at codon 1975 of the NF1 protein (p.Ile1975Met). This variant is not present in population databases (gnomAD no frequency). This variant has not been reported in the literature in individuals affected with NF1-related conditions. ClinVar contains an entry for this variant (Variation ID: 2958704). Invitae Evidence Modeling of protein sequence and biophysical properties (such as structural, functional, and spatial information, amino acid conservation, physicochemical variation, residue mobility, and thermodynamic stability) indicates that this missense variant is expected to disrupt NF1 protein function with a positive predictive value of 95%. In summary, the available evidence is currently insufficient to determine the role of this variant in disease. Therefore, it has been classified as a Variant of Uncertain Significance.

NM_001042492.3(NF1):c.5988A>G (p.Ile1996Met)

Gene: NF1 (neurofibromin 1; plus strand). Cytogenetic location: 17q11.2.
Variant type: single nucleotide variant.
Coding change: c.5988A>G on transcript NM_001042492.3 (MANE Select); coding-DNA position 5988, A replaced by G.
Protein change: p.Ile1996Met; replaces isoleucine 1996 with methionine.
Molecular consequence: missense variant.
Genome position (GRCh38, 1-based): chr17:31,335,013, A>G. VCF-style: chr17-31335013-A-G. GRCh37 (hg19) VCF-style: chr17-29662031-A-G.
Other names: c.5925A>G, p.Ile1975Met (NM_000267.4); short protein forms I1996M, I1975M.
Identifiers: ClinVar variation 2958704 (VCV002958704.3), dbSNP rs2151550732, ClinGen allele CA399010943.
Genomic context (GRCh38, chr17:31,335,013, plus strand): 5'-CAAGCTGATAACAATGACCATCAATGAAAAACAGATGTACCCATCTATTCAAGCAAAAAT[A>G]TGGGGAAGCCTTGGGCAGGTATTGAGTTTGCTCAAATATTTATCTAGTATCTCCTTTGTG-3'
Protein context (NP_001035957.1, residues 1986-2006): KQMYPSIQAK[Ile1996Met]WGSLGQITDL